The following is an entry in ClinVar:

NM_000384.3(APOB):c.6502A>C (p.Asn2168His)

Gene: APOB (apolipoprotein B; minus strand). Cytogenetic location: 2p24.1.
Variant type: single nucleotide variant.
Coding change: c.6502A>C on transcript NM_000384.3 (MANE Select); coding-DNA position 6502, A replaced by C.
Protein change: p.Asn2168His; replaces asparagine 2168 with histidine.
Molecular consequence: missense variant.
Genome position (GRCh38, 1-based): chr2:21,010,366, T>G on the plus strand (A>C on the coding strand, the complement: APOB is on the minus strand). VCF-style: chr2-21010366-T-G. GRCh37 (hg19) VCF-style: chr2-21233238-T-G.
Other names: short protein forms N2168H.
Identifiers: ClinVar variation 3777284 (VCV003777284.1).

ClinVar aggregate classification (germline): Uncertain significance (1 of 4 stars; one submission).

gnomAD v4.1: 2 of 1,579,962 alleles (0.00013%); highest among the groups gnomAD compares: African/African-American, 0.0027%; no homozygotes.

Submission:

GeneDx
Classification: Uncertain significance. Last evaluated: 2024-10-14. Review status: criteria provided, single submitter. Criteria: GeneDx Variant Classification Process June 2021. Collection method: clinical testing. Allele origin: germline. Affected: yes.
Comment: Has not been previously published as pathogenic or benign to our knowledge; In silico analysis indicates that this missense variant does not alter protein structure/function